The following is an entry in ClinVar:

ClinVar aggregate classification (germline): Likely benign. Review status: criteria provided, multiple submitters, no conflicts (2 of 4 stars). 5 submissions from 5 submitters: Likely benign (5). Last evaluated 2026-03-06.

Conditions:
NOTCH2-related disorder. Also called: NOTCH2-related condition.
Inborn genetic diseases. Identifiers: MedGen C0950123, MeSH D030342.
Alagille syndrome due to a NOTCH2 point mutation. Also called: Alagille syndrome 2. Identifiers: Orphanet 261629, Orphanet 52, MedGen C1857761, MONDO:0012439, OMIM 610205.
Hajdu-Cheney syndrome (HJCYS). Also called: Acroosteolysis dominant type; ACROOSTEOLYSIS WITH OSTEOPOROSIS AND CHANGES IN SKULL AND MANDIBLE; SERPENTINE FIBULA-POLYCYSTIC KIDNEY SYNDROME. Identifiers: Orphanet 955, MedGen C0917715, MONDO:0007057, OMIM 102500.

Allele frequency attached by ClinVar (database versions not stated): gnomAD exomes 0.00007; ExAC 0.00012; gnomAD 0.00021; TOPMed 0.00021; ESP Exome Variant Server 0.00046; 1000 Genomes Project 30x 0.00062; 1000 Genomes Project 0.00080.
gnomAD v4.1: 54 of 1,608,350 alleles (0.0034%); highest among the groups gnomAD compares: African/African-American, 0.068%; no homozygotes.

Submissions (5):

PreventionGenetics, part of Exact Sciences
Classification: Likely benign for NOTCH2-related condition. Last evaluated: 2026-03-06. Review status: criteria provided, single submitter. Criteria: ACMG Guidelines, 2015. Collection method: clinical testing. Allele origin: germline.
Comment: This variant is classified as likely benign based on ACMG/AMP sequence variant interpretation guidelines (Richards et al. 2015 PMID: 25741868, with internal and published modifications).

Labcorp Genetics (formerly Invitae), Labcorp
Classification: Likely benign for Hajdu-Cheney syndrome. Last evaluated: 2026-01-08. Review status: criteria provided, single submitter. Criteria: Invitae Variant Classification Sherloc (09022015). Collection method: clinical testing. Allele origin: germline.

Ambry Genetics
Classification: Likely benign for Inborn genetic diseases. Last evaluated: 2025-10-18. Review status: criteria provided, single submitter. Criteria: Ambry Variant Classification Scheme 2023. Collection method: clinical testing. Allele origin: germline.

Fulgent Genetics
Classification: Likely benign for Hajdu-Cheney syndrome; Alagille syndrome due to a NOTCH2 point mutation. Last evaluated: 2021-10-12. Review status: criteria provided, single submitter. Criteria: ACMG Guidelines, 2015. Collection method: clinical testing. Allele origin: unknown.

Eurofins Ntd Llc (ga)
Classification: Likely benign. Last evaluated: 2018-07-30. Review status: criteria provided, single submitter. Criteria: EGL ClinVar v180209 classification definitions. Collection method: clinical testing. Allele origin: germline. Observed: 2 variant alleles, 2 heterozygotes.

NM_024408.4(NOTCH2):c.6997G>C (p.Ala2333Pro)

Gene: NOTCH2 (notch receptor 2; minus strand). Cytogenetic location: 1p12.
Variant type: single nucleotide variant.
Coding change: c.6997G>C on transcript NM_024408.4 (MANE Select); coding-DNA position 6997, G replaced by C.
Protein change: p.Ala2333Pro; replaces alanine 2333 with proline.
Molecular consequence: missense variant.
Genome position (GRCh38, 1-based): chr1:119,915,725, C>G on the plus strand (G>C on the coding strand, the complement: NOTCH2 is on the minus strand). VCF-style: chr1-119915725-C-G. GRCh37 (hg19) VCF-style: chr1-120458348-C-G.
Other names: short protein forms A2333P.
Identifiers: ClinVar variation 463177 (VCV000463177.17), dbSNP rs143506822, ClinGen allele CA1039340.